The following is an entry in ClinVar:

NM_183381.3(RNF13):c.929del (p.Pro310fs)

Gene: RNF13 (ring finger protein 13; plus strand). Cytogenetic location: 3q25.1.
Variant type: Deletion.
Coding change: c.929del on transcript NM_183381.3 (MANE Select); coding-DNA position 929, one base deleted (C; older notation c.929delC).
Protein change: p.Pro310fs; shifts the reading frame from proline 310.
Molecular consequence: frameshift variant. On other transcripts: non-coding transcript variant (1).
Genome position (GRCh38, 1-based): chr3:149,960,887, C deleted; the last of 4 consecutive C bases (chr3:149,960,884-149,960,887); deleting any one gives the same sequence. VCF-style (leftmost placement, unchanged base first): chr3-149960883-AC-A. GRCh37 (hg19) VCF-style: chr3-149678670-AC-A.
Other names: c.929del, p.Pro310fs (NM_001378285.1, NM_001378286.1, NM_007282.4); c.572del, p.Pro191fs (NM_001378287.1, NM_001378288.1, NM_001378289.1 and 2 more transcripts); c.536del, p.Pro179fs (NM_001378291.1); short protein forms P179fs, P191fs, P310fs.
Identifiers: ClinVar variation 1705650 (VCV001705650.2), dbSNP rs2473635525, ClinGen allele CA2580068978.

ClinVar aggregate classification (germline): Uncertain significance (1 of 4 stars; one submission).

Conditions:
Developmental and epileptic encephalopathy, 73. Also called: EPILEPTIC ENCEPHALOPATHY, EARLY INFANTILE, 73; Rnf13-related severe early-onset epileptic encephalopathy. Identifiers: Orphanet 544503, MedGen C5193065, MONDO:0034106, OMIM 618379.

Submission:

3billion
Classification: Uncertain significance for Developmental and epileptic encephalopathy, 73. Last evaluated: 2022-09-01. Review status: criteria provided, single submitter. Criteria: ACMG Guidelines, 2015. Collection method: clinical testing. Allele origin: germline. Affected: yes. Observed: 1 heterozygote.
Comment: The variant is not observed in the gnomAD v2.1.1 dataset. Frameshift variant is predicted to result in a loss or disruption of normal protein function through protein truncation. The predicted truncated protein may be shortened by more than 10%. However, loss-of-function of the RNF13 gene is not a fully established disease causing mechanism at this time. Therefore, this variant is classified as uncertain significance according to the recommendation of ACMG/AMP guideline.